The following is an entry in ClinVar:

NM_000203.5(IDUA):c.1403-1G>T

Gene: IDUA (alpha-L-iduronidase; plus strand). Cytogenetic location: 4p16.3.
Variant type: single nucleotide variant.
Coding change: c.1403-1G>T on transcript NM_000203.5 (MANE Select); the canonical splice acceptor site of the intron before coding-DNA position 1403, G replaced by T.
Molecular consequence: splice acceptor variant.
Genome position (GRCh38, 1-based): chr4:1,003,035, G>T. VCF-style: chr4-1003035-G-T. GRCh37 (hg19) VCF-style: chr4-996823-G-T.
Other names: c.1007-1G>T (NM_001363576.1).
Identifiers: ClinVar variation 652306 (VCV000652306.16), dbSNP rs4690223, ClinGen allele CA91170263.

ClinVar aggregate classification (germline): Pathogenic. Review status: reviewed by expert panel (3 of 4 stars). 6 submissions from 6 submitters: Pathogenic (1). 5 of the submissions do not count toward it. Last evaluated 2025-06-02.

Conditions:
Mucopolysaccharidosis type 1. Also called: IDUA deficiency; MPS I; Mucopolysaccharidosis Type I. Identifiers: Orphanet 579, MedGen C0023786, MONDO:0001586.
Hurler syndrome. Also called: MUCOPOLYSACCHARIDOSIS TYPE IH; Severe MPS I (Hurler Syndrome); Gargoylism, Hurler Syndrome. Identifiers: Orphanet 93473, MedGen C0086795, MONDO:0011758, OMIM 607014.

Allele frequency attached by ClinVar (database versions not stated): gnomAD 0.00003 and 0.00004; gnomAD exomes below 0.00001 and 0.00002; TOPMed 0.00002.
gnomAD v4.1: 9 of 1,500,172 alleles (0.0006%); highest among the groups gnomAD compares: Non-Finnish European, 0.00079%; no homozygotes.

Submissions (6):

ClinGen Lysosomal Storage Disorder Variant Curation Expert Panel
Classification: Pathogenic for Mucopolysaccharidosis type 1. Last evaluated: 2025-06-02. Review status: reviewed by expert panel. Criteria: ClinGen LSD ACMG Specifications IDUA V1.0.0. Collection method: curation. Allele origin: germline. Inheritance: Autosomal recessive inheritance.
Comment: The NM_000203.5:c.1403-1G>T variant in IDUA occurs within the canonical splice acceptor site of intron 9. It is predicted to cause skipping of biologically-relevant-exon 10 out of 14, resulting in a frameshift leading to nonsense-mediated decay in a gene in which loss-of-function is an established disease mechanism. This variant has been detected in at least 2 individuals reported with severe MPS I. Of those individuals, both were compound heterozygous, unknown phase, for the variant and NM_000203.5(IDUA):c.1198C>T (p.Gln400Ter) (Variation ID: 1683229), which has been classified as pathogenic by the ClinGen Lysosomal Diseases VCEP, meeting PM3_Supporting. (PMID: 31194252.) The highest population minor allele frequency in gnomAD v4.1.0 is 0.000007943 (9/1133112 alleles) in the European population, which is lower than the ClinGen Lysosomal Diseases VCEP’s threshold (<0.00025) for meeting PM2_Supporting criterion. There is a ClinVar entry for this variant (Variation ID: 652306). In summary, this variant meets the criteria to be classified as Pathogenic for MPS I based on the IDUA-specific ACMG/AMP criteria applied, as specified by the ClinGen Lysosomal Diseases Variant Curation Expert panel (Specifications Version 1.0.0): PVS1, PM3_supporting, PM2_supporting (Classification approved by the ClinGen Lysosomal Diseases Variant Curation Expert Panel on June 2, 2025).

Women's Health and Genetics/Laboratory Corporation of America, LabCorp
Classification: Pathogenic for Hurler syndrome. Last evaluated: 2025-10-27. Review status: criteria provided, single submitter. Criteria: LabCorp Variant Classification Summary - May 2015. Collection method: clinical testing. Allele origin: germline. Not counted in ClinVar's aggregate classification.
Comment: Variant summary: IDUA c.1403-1G>T is located in a canonical splice-site and is predicted to affect mRNA splicing resulting in a significantly altered protein due to either exon skipping, shortening, or inclusion of intronic material. Variants that disrupt the consensus splice site are a relatively common cause of aberrant splicing and loss of IDUA function. Several computational tools predict a significant impact on normal splicing: Two predict the variant abolishes a 3' acceptor site. However, to our knowledge, these predictions have yet to be confirmed by functional studies. The variant allele was found at a frequency of 1.6e-05 in 128338 control chromosomes. c.1403-1G>T has been observed as a biallelic genotype in multiple individuals affected with Mucopolysaccharidosis Type 1 (e.g. Hein_2004, Voskoboeva_2021). These data indicate that the variant is likely to be associated with disease. The following publications have been ascertained in the context of this evaluation (PMID: 15081804, 35141277). ClinVar contains an entry for this variant (Variation ID: 652306). Based on the evidence outlined above, the variant was classified as pathogenic.

Natera, Inc.
Classification: Pathogenic for Mucopolysaccharidosis type I. Last evaluated: 2025-01-01. Review status: criteria provided, single submitter. Criteria: Natera Variant Classification Schema (03/2026). Collection method: clinical testing. Allele origin: germline. Not counted in ClinVar's aggregate classification.
Comment: The c.1403-1G>T variant in IDUA is a canonical splice acceptor site variant predicted to affect pre-mRNA splicing, which may result in an abnormal transcript and altered protein product. This variant is expected to result in nonsense mediated decay, truncation, or a dysfunctional protein product. This variant is rare in the general population with a frequency below the threshold expected for the associated phenotype(s). This variant has been observed in one or more individuals affected with the associated recessive disease, as either homozygous or compound heterozygous with a second variant (PMID: 35141277, 22976768). Given the available evidence, this variant is classified as Pathogenic.

Revvity Omics, Revvity
Classification: Pathogenic. Last evaluated: 2024-07-01. Review status: criteria provided, single submitter. Criteria: ACMG Guidelines, 2015. Collection method: clinical testing. Allele origin: germline. Not counted in ClinVar's aggregate classification.

Labcorp Genetics (formerly Invitae), Labcorp
Classification: Pathogenic for Mucopolysaccharidosis type 1. Last evaluated: 2024-06-30. Review status: criteria provided, single submitter. Criteria: Invitae Variant Classification Sherloc (09022015). Collection method: clinical testing. Allele origin: germline. Not counted in ClinVar's aggregate classification.
Comment: This sequence change affects an acceptor splice site in intron 9 of the IDUA gene. It is expected to disrupt RNA splicing. Variants that disrupt the donor or acceptor splice site typically lead to a loss of protein function (PMID: 16199547), and loss-of-function variants in IDUA are known to be pathogenic (PMID: 11735025, 21480867). The frequency data for this variant in the population databases is considered unreliable, as metrics indicate poor data quality at this position in the gnomAD database. Disruption of this splice site has been observed in individuals with mucopolysaccharidosis (PMID: 22976768, 31194252). ClinVar contains an entry for this variant (Variation ID: 652306). Algorithms developed to predict the effect of sequence changes on RNA splicing suggest that this variant may disrupt the consensus splice site. For these reasons, this variant has been classified as Pathogenic.

GeneDx
Classification: Likely pathogenic. Last evaluated: 2023-03-25. Review status: criteria provided, single submitter. Criteria: GeneDx Variant Classification Process June 2021. Collection method: clinical testing. Allele origin: germline. Affected: yes. Not counted in ClinVar's aggregate classification.
Comment: Observed with another IDUA variant in several patients in published literature with suspected mucopolysaccharidosis type I, but it is not known whether the variants occurred on the same (in cis) or on different (in trans) chromosomes (Pollard et al., 2013; Clarke et al., 2019); Canonical splice site variant predicted to result in a null allele in a gene for which loss-of-function is a known mechanism of disease; Not observed in large population cohorts (gnomAD); This variant is associated with the following publications: (PMID: 32188113, 21480867, 11735025, 31194252, 22976768)

Literature cited by the submitters: PubMed 15081804 (cited by Women's Health and Genetics/Laboratory Corporation of America, LabCorp); PubMed 35141277 (cited by Women's Health and Genetics/Laboratory Corporation of America, LabCorp and Natera, Inc.); PubMed 22976768 (cited by Natera, Inc. and Labcorp Genetics (formerly Invitae), Labcorp); PubMed 16199547 (cited by Labcorp Genetics (formerly Invitae), Labcorp); PubMed 11735025 (cited by Labcorp Genetics (formerly Invitae), Labcorp); PubMed 21480867 (cited by Labcorp Genetics (formerly Invitae), Labcorp); PubMed 31194252 (cited by Labcorp Genetics (formerly Invitae), Labcorp).